The following is an entry in ClinVar:

ClinVar aggregate classification (germline): Pathogenic/Likely pathogenic. Review status: criteria provided, multiple submitters, no conflicts (2 of 4 stars). 4 submissions from 4 submitters: Pathogenic (1); Likely pathogenic (3). Last evaluated 2025-04-28.

Conditions:
Joubert syndrome 23 (JBTS23). Identifiers: Orphanet 475, MedGen C4084822, MONDO:0014664, OMIM 616490.
KIAA0586-related disorder. Also called: KIAA0586-related condition; KIAA0586- Related disorders.
Short-rib thoracic dysplasia 14 with polydactyly (SRTD14). Identifiers: Orphanet 397715, MedGen C4225286, MONDO:0014688, OMIM 616546.

Submissions (4):

Labcorp Genetics (formerly Invitae), Labcorp
Classification: Likely pathogenic for Joubert syndrome 23; Short-rib thoracic dysplasia 14 with polydactyly. Last evaluated: 2025-04-28. Review status: criteria provided, single submitter. Criteria: Invitae Variant Classification Sherloc (09022015). Collection method: clinical testing. Allele origin: germline.
Comment: This variant results in the deletion of part of exon 23 (c.3301_3303+5del) of the KIAA0586 gene. It is expected to disrupt RNA splicing. Variants that disrupt the donor or acceptor splice site typically lead to a loss of protein function (PMID: 16199547), and loss-of-function variants in KIAA0586 are known to be pathogenic (PMID: 26096313, 26166481, 26386044). This variant is present in population databases (rs771240219, gnomAD 0.002%). This variant has not been reported in the literature in individuals affected with KIAA0586-related conditions. ClinVar contains an entry for this variant (Variation ID: 1517797). In summary, the currently available evidence indicates that the variant is pathogenic, but additional data are needed to prove that conclusively. Therefore, this variant has been classified as Likely Pathogenic.

Blueprint Genetics
Classification: Likely pathogenic for KIAA0586-related disorders. Last evaluated: 2024-11-14. Review status: criteria provided, single submitter. Criteria: ACMG Guidelines, 2015. Collection method: clinical testing. Allele origin: germline. Affected: yes. Observed: 5 variant alleles.

Institute of Human Genetics, University of Leipzig Medical Center
Classification: Pathogenic for Joubert syndrome 23. Last evaluated: 2023-05-23. Review status: criteria provided, single submitter. Criteria: ACMG Guidelines, 2015. Collection method: clinical testing. Allele origin: paternal. Inheritance: Autosomal recessive inheritance. Affected: yes.
Comment: Identified as compund heterozygous with NM_001329943.3:c.392del. Criteria applied: PVS1,PM3,PM2_SUP

Genetic Services Laboratory, University of Chicago
Classification: Likely pathogenic. Last evaluated: 2023-04-27. Review status: criteria provided, single submitter. Criteria: ACMG Guidelines, 2015. Collection method: clinical testing. Allele origin: germline. Affected: yes.
Comment: DNA sequence analysis of the KIAA0586 gene demonstrated an 8 base pair deletion that spans the exon 23 intron 23 boundary, c.3301_3303+5del. This deletion is predicted to result in the deletion of the last amino acid of exon 23 and disrupt the donor splice site, p.Pro1101del. The c.3301_3303+5del sequence change has been described in the gnomAD database in two individuals corresponding to a population frequency of 0.0009% (dbSNP rs771240219). Based on in-silico splice prediction programs, this sequence change likely affects normal splicing of the KIAA0586 gene, which would result in an abnormal protein, however functional studies have not been performed to prove this conclusively. While this deletion has not previously been described in the literature, disruption of this splice site has been described in individuals with KIAA0586-related disorders (PMID: 2609631, 36635699). Collectively, this evidence indicates that this sequence change is likely pathogenic.

Literature cited by the submitters: PubMed 16199547 (cited by Labcorp Genetics (formerly Invitae), Labcorp); PubMed 26096313 (cited by Labcorp Genetics (formerly Invitae), Labcorp); PubMed 26166481 (cited by Labcorp Genetics (formerly Invitae), Labcorp); PubMed 26386044 (cited by Labcorp Genetics (formerly Invitae), Labcorp).

NM_001329943.3(KIAA0586):c.3142_3144+5del

Gene: KIAA0586 (KIAA0586; plus strand). Cytogenetic location: 14q23.1.
Variant type: Deletion.
Coding change: c.3142_3144+5del on transcript NM_001329943.3 (MANE Select); coding-DNA position 3142 through 5 bases into the intron after coding-DNA position 3144, 8 bases deleted (CCGGTATG; older notation c.3142_3144+5delCCGGTATG).
Molecular consequence: splice donor variant.
Genome position (GRCh38, 1-based): chr14:58,482,710-58,482,717, CCGGTATG deleted; deleting any 8 consecutive bases within chr14:58,482,708-58,482,717 gives the same sequence; the c. name uses the placement nearest the transcript's 3' end. VCF-style (leftmost placement, unchanged base first): chr14-58482707-TTGCCGGTA-T. GRCh37 (hg19) VCF-style: chr14-58949425-TTGCCGGTA-T.
Other names: c.3301_3303+5del (NM_001244189.2, NM_001244189.1); c.3097_3099+5del (NM_001244190.2); c.3010_3012+5del (NM_001244192.2); c.2887_2889+5del (NM_001244191.2, NM_001364701.2, NM_001329945.2 and 1 more transcripts); c.3142_3144+5del (NM_001329944.2, NM_001329946.2, NM_001329947.2); c.2914_2916+5del (NM_014749.5); c.2722_2724+5del (NM_001244193.2).
Identifiers: ClinVar variation 1517797 (VCV001517797.10), dbSNP rs771240219, ClinGen allele CA7206060.